The following is an entry in ClinVar:

ClinVar aggregate classification (germline): Uncertain significance (1 of 4 stars; one submission).

Conditions:
Joubert syndrome. Also called: Familial aplasia of the vermis; CEREBELLOPARENCHYMAL DISORDER IV; JOUBERT-BOLTSHAUSER SYNDROME. Identifiers: Orphanet 475, MedGen C5979921, MONDO:0018772.

Allele frequency attached by ClinVar (database versions not stated): gnomAD exomes below 0.00001.
gnomAD v4.1: 1 of 1,610,096 alleles (0.000062%); highest among the groups gnomAD compares: Non-Finnish European, 0.000085%; no homozygotes.

Submission:

Labcorp Genetics (formerly Invitae), Labcorp
Classification: Uncertain significance for Joubert syndrome. Last evaluated: 2024-01-31. Review status: criteria provided, single submitter. Criteria: Invitae Variant Classification Sherloc (09022015). Collection method: clinical testing. Allele origin: germline.
Comment: This sequence change falls in intron 22 of the AHI1 gene. It does not directly change the encoded amino acid sequence of the AHI1 protein. It affects a nucleotide within the consensus splice site. This variant is not present in population databases (gnomAD no frequency). This variant has not been reported in the literature in individuals affected with AHI1-related conditions. ClinVar contains an entry for this variant (Variation ID: 1058284). Variants that disrupt the consensus splice site are a relatively common cause of aberrant splicing (PMID: 17576681, 9536098). Algorithms developed to predict the effect of sequence changes on RNA splicing suggest that this variant may disrupt the consensus splice site. In summary, the available evidence is currently insufficient to determine the role of this variant in disease. Therefore, it has been classified as a Variant of Uncertain Significance.

Literature cited by the submitters: PubMed 17576681; PubMed 9536098.

NM_001134831.2(AHI1):c.3109+3G>T

Gene: AHI1 (Abelson helper integration site 1; minus strand). Cytogenetic location: 6q23.3.
Variant type: single nucleotide variant.
Coding change: c.3109+3G>T on transcript NM_001134831.2 (MANE Select); 3 bases into the intron after coding-DNA position 3109, G replaced by T.
Molecular consequence: intron variant.
Genome position (GRCh38, 1-based): chr6:135,394,773, C>A on the plus strand (G>T on the coding strand, the complement: AHI1 is on the minus strand). VCF-style: chr6-135394773-C-A. GRCh37 (hg19) VCF-style: chr6-135715911-C-A.
Other names: c.3109+3G>T (NM_001134830.2, NM_001350503.2, NM_017651.5 and 2 more transcripts).
Identifiers: ClinVar variation 1058284 (VCV001058284.7), dbSNP rs2128484977, ClinGen allele CA2499218107.